The following is an entry in ClinVar:

ClinVar aggregate classification (germline): Conflicting classifications of pathogenicity. Review status: criteria provided, conflicting classifications (1 of 4 stars). 4 submissions from 4 submitters: Likely pathogenic (1); Benign (2); Likely benign (1). Last evaluated 2025-09-30.

Conditions:
Enchondromatosis. Also called: DYSCHONDROPLASIA; ENCHONDROMATOSIS, MULTIPLE, OLLIER TYPE; Ollier disease; Multiple cartilaginous enchondroses; Multiple enchondromatosis. Identifiers: Orphanet 296, MedGen C0014084, MONDO:0008145, OMIM 166000, HP:0005701.

Allele frequency attached by ClinVar (database versions not stated): gnomAD 0.00218 and 0.00255; gnomAD exomes 0.00383; ExAC 0.00425; ESP Exome Variant Server 0.00246; TOPMed 0.00288; 1000 Genomes Project 30x 0.00312; 1000 Genomes Project 0.00339.
gnomAD v4.1: 4,846 of 1,599,594 alleles (0.3%); highest among the groups gnomAD compares: South Asian, 1.3%; 34 homozygotes.

Submissions (4):

Mayo Clinic Laboratories, Mayo Clinic
Classification: Likely benign. Last evaluated: 2025-09-30. Review status: criteria provided, single submitter. Criteria: ACMG Guidelines, 2015. Collection method: clinical testing. Allele origin: germline. Observed: 1 variant allele.
Comment: BS2, BP4_moderate

Labcorp Genetics (formerly Invitae), Labcorp
Classification: Benign. Last evaluated: 2018-07-20. Review status: criteria provided, single submitter. Criteria: Invitae Variant Classification Sherloc (09022015). Collection method: clinical testing. Allele origin: germline.

Baylor-Hopkins Center for Mendelian Genomics, Johns Hopkins University School of Medicine
Classification: Likely pathogenic for Enchondromatosis. Review status: criteria provided, single submitter. Criteria: ACMG Guidelines, 2015. Collection method: research. Allele origin: maternal. Affected: yes. Observed: 1 heterozygote.

Breakthrough Genomics
Classification: Benign. Review status: criteria provided, single submitter. Criteria: ACMG Guidelines, 2015. Collection method: not provided. Allele origin: germline. Inheritance: Unknown mechanism. Affected: yes.

NM_001530.4(HIF1A):c.1264G>T (p.Asp422Tyr)

Genes: HIF1A (hypoxia inducible factor 1 subunit alpha; plus strand), HIF1A-AS3 (HIF1A antisense RNA 3; minus strand). Cytogenetic location: 14q23.2.
Variant type: single nucleotide variant.
Coding change: c.1264G>T on transcript NM_001530.4 (MANE Select); coding-DNA position 1264, G replaced by T.
Protein change: p.Asp422Tyr; replaces aspartic acid 422 with tyrosine.
Molecular consequence: missense variant.
Genome position (GRCh38, 1-based): chr14:61,738,101, G>T. VCF-style: chr14-61738101-G-T. GRCh37 (hg19) VCF-style: chr14-62204819-G-T.
Other names: p.Asp422Tyr; c.1336G>T, p.Asp446Tyr (NM_001243084.2); c.1264G>T, p.Asp422Tyr (NM_181054.3); short protein forms D422Y, D446Y.
Identifiers: ClinVar variation 782785 (VCV000782785.6), dbSNP rs149348765, ClinGen allele CA7215898.